The following is an entry in ClinVar:

NM_002063.4(GLRA2):c.140T>C (p.Phe47Ser)

Gene: GLRA2 (glycine receptor alpha 2; plus strand). Cytogenetic location: Xp22.2.
Variant type: single nucleotide variant.
Coding change: c.140T>C on transcript NM_002063.4 (MANE Select); coding-DNA position 140, T replaced by C.
Protein change: p.Phe47Ser; replaces phenylalanine 47 with serine.
Molecular consequence: missense variant. On other transcripts: 5 prime UTR variant (1).
Genome position (GRCh38, 1-based): chrX:14,532,310, T>C. VCF-style: chrX-14532310-T-C. GRCh37 (hg19) VCF-style: chrX-14550432-T-C.
Other names: c.140T>C, p.Phe47Ser (NM_001118885.2, NM_001118886.2); c.-88T>C (NM_001171942.2); short protein forms F47S.
Identifiers: ClinVar variation 1334140 (VCV001334140.2), dbSNP rs2146999184, ClinGen allele CA412435030.

ClinVar aggregate classification (germline): Likely pathogenic (0 of 4 stars; one submission).

Submission:

Wangler Lab, Baylor College of Medicine
Classification: Likely pathogenic. Last evaluated: 2022-01-10. Review status: no assertion criteria provided. Collection method: research. Allele origin: de novo. Affected: yes. Observed: 1 heterozygote.
Comment: Marcogliese et al., (2022) have identified 13 unrelated subjects with a variable neurodevelopmental disorder with or without autistic features. This variant (c.140T>C) results in p.Phe47Ser. This change is not seen in GnomAD (PM2) and in silico models predict pathogenicity (PP3). We classify this variant to be likely pathogenic based on our cohort of affected individuals with similar phenotypes.